The following is an entry in ClinVar:

NM_020207.7(ERCC6L2):c.770G>T (p.Cys257Phe)

Gene: ERCC6L2 (ERCC excision repair 6 like 2; plus strand). Cytogenetic location: 9q22.32.
Variant type: single nucleotide variant.
Coding change: c.770G>T on transcript NM_020207.7 (MANE Select); coding-DNA position 770, G replaced by T.
Protein change: p.Cys257Phe; replaces cysteine 257 with phenylalanine.
Molecular consequence: missense variant. On other transcripts: non-coding transcript variant (1).
Genome position (GRCh38, 1-based): chr9:95,907,253, G>T. VCF-style: chr9-95907253-G-T. GRCh37 (hg19) VCF-style: chr9-98669535-G-T.
Other names: c.770G>T, p.Cys257Phe (NM_001010895.4, NM_001375291.1, NM_001375292.1 and 2 more transcripts); short protein forms C257F.
Identifiers: ClinVar variation 3510004 (VCV003510004.1).

ClinVar aggregate classification (germline): Uncertain significance (1 of 4 stars; one submission).

Conditions:
Inborn genetic diseases. Identifiers: MedGen C0950123, MeSH D030342.

Submission:

Ambry Genetics
Classification: Uncertain significance for Inborn genetic diseases. Last evaluated: 2024-11-28. Review status: criteria provided, single submitter. Criteria: Ambry Variant Classification Scheme 2023. Collection method: clinical testing. Allele origin: germline.
Comment: The p.C257F variant (also known as c.770G>T), located in coding exon 4 of the ERCC6L2 gene, results from a G to T substitution at nucleotide position 770. The cysteine at codon 257 is replaced by phenylalanine, an amino acid with highly dissimilar properties. This amino acid position is conserved. In addition, the in silico prediction for this alteration is inconclusive. Based on the available evidence, the clinical significance of this variant remains unclear.